The following is an entry in ClinVar:

NM_000051.4(ATM):c.7651G>C (p.Asp2551His)

Genes: ATM (ATM serine/threonine kinase; plus strand), C11orf65 (chromosome 11 open reading frame 65; minus strand). Cytogenetic location: 11q22.3.
Variant type: single nucleotide variant.
Coding change: c.7651G>C on transcript NM_000051.4 (MANE Select); coding-DNA position 7651, G replaced by C.
Protein change: p.Asp2551His; replaces aspartic acid 2551 with histidine.
Molecular consequence: missense variant. On other transcripts: intron variant (2).
Genome position (GRCh38, 1-based): chr11:108,331,900, G>C. VCF-style: chr11-108331900-G-C. GRCh37 (hg19) VCF-style: chr11-108202627-G-C.
Other names: c.7651G>C, p.Asp2551His (NM_001351834.2); c.641-22829C>G (NM_001330368.2); c.*38+3320C>G (NM_001351110.2); short protein forms D2551H.
Identifiers: ClinVar variation 1759987 (VCV001759987.4), dbSNP rs2086287943, ClinGen allele CA382560931.

ClinVar aggregate classification (germline): Uncertain significance. Review status: criteria provided, multiple submitters, no conflicts (2 of 4 stars). 2 submissions from 2 submitters: Uncertain significance (2). Last evaluated 2022-09-21.

Conditions:
Hereditary cancer-predisposing syndrome. Also called: Hereditary neoplastic syndrome; Neoplastic Syndromes, Hereditary; Tumor predisposition; Hereditary Cancer Syndrome. Identifiers: Orphanet 140162, MedGen C0027672, MeSH D009386, MONDO:0015356.
Ataxia-telangiectasia syndrome (AT). Also called: Ataxia telangiectasia (A-T); LOUIS-BAR SYNDROME; Cerebello-oculocutaneous telangiectasia; Immunodeficiency with ataxia telangiectasia; Ataxia-telangiectasia, complementation group D; AT, COMPLEMENTATION GROUP C. Identifiers: Orphanet 100, MedGen C0004135, MONDO:0008840, OMIM 208900.

Submissions (2):

Ambry Genetics
Classification: Uncertain significance for Hereditary cancer-predisposing syndrome. Last evaluated: 2022-09-21. Review status: criteria provided, single submitter. Criteria: Ambry Variant Classification Scheme 2023. Collection method: clinical testing. Allele origin: germline.
Comment: The p.D2551H variant (also known as c.7651G>C), located in coding exon 51 of the ATM gene, results from a G to C substitution at nucleotide position 7651. The aspartic acid at codon 2551 is replaced by histidine, an amino acid with similar properties. This amino acid position is conserved. In addition, the in silico prediction for this alteration is inconclusive. Since supporting evidence is limited at this time, the clinical significance of this alteration remains unclear.

Labcorp Genetics (formerly Invitae), Labcorp
Classification: Uncertain significance for Ataxia-telangiectasia syndrome. Last evaluated: 2022-03-22. Review status: criteria provided, single submitter. Criteria: Invitae Variant Classification Sherloc (09022015). Collection method: clinical testing. Allele origin: germline.
Comment: This sequence change replaces aspartic acid, which is acidic and polar, with histidine, which is basic and polar, at codon 2551 of the ATM protein (p.Asp2551His). This variant is not present in population databases (gnomAD no frequency). This variant has not been reported in the literature in individuals affected with ATM-related conditions. Advanced modeling of protein sequence and biophysical properties (such as structural, functional, and spatial information, amino acid conservation, physicochemical variation, residue mobility, and thermodynamic stability) performed at Invitae indicates that this missense variant is expected to disrupt ATM protein function. Algorithms developed to predict the effect of sequence changes on RNA splicing suggest that this variant may disrupt the consensus splice site. In summary, the available evidence is currently insufficient to determine the role of this variant in disease. Therefore, it has been classified as a Variant of Uncertain Significance.